The following is an entry in ClinVar:

ClinVar aggregate classification (germline): Uncertain significance (1 of 4 stars; one submission).

Conditions:
Autosomal dominant childhood-onset proximal spinal muscular atrophy with contractures (SMALED2A). Also called: SPINAL MUSCULAR ATROPHY, LOWER EXTREMITY-PREDOMINANT, 2A, CHILDHOOD ONSET, AUTOSOMAL DOMINANT; Spinal muscular atrophy, lower extremity-predominant, 2A, autosomal dominant. Identifiers: Orphanet 363447, Orphanet 363454, MedGen C4747715, MONDO:0014121, OMIM 615290.

Allele frequency attached by ClinVar (database versions not stated): gnomAD exomes below 0.00001.
gnomAD v4.1: 1 of 1,614,212 alleles (0.000062%); highest among the groups gnomAD compares: Non-Finnish European, 0.000085%; no homozygotes.

Submission:

Labcorp Genetics (formerly Invitae), Labcorp
Classification: Uncertain significance for Autosomal dominant childhood-onset proximal spinal muscular atrophy with contractures. Last evaluated: 2022-07-25. Review status: criteria provided, single submitter. Criteria: Invitae Variant Classification Sherloc (09022015). Collection method: clinical testing. Allele origin: germline.
Comment: This variant is not present in population databases (gnomAD no frequency). In summary, the available evidence is currently insufficient to determine the role of this variant in disease. Therefore, it has been classified as a Variant of Uncertain Significance. Advanced modeling of protein sequence and biophysical properties (such as structural, functional, and spatial information, amino acid conservation, physicochemical variation, residue mobility, and thermodynamic stability) performed at Invitae indicates that this missense variant is not expected to disrupt BICD2 protein function. ClinVar contains an entry for this variant (Variation ID: 933305). This variant has not been reported in the literature in individuals affected with BICD2-related conditions. This sequence change replaces tyrosine, which is neutral and polar, with histidine, which is basic and polar, at codon 425 of the BICD2 protein (p.Tyr425His).

NM_001003800.2(BICD2):c.1273T>C (p.Tyr425His)

Gene: BICD2 (BICD cargo adaptor 2; minus strand). Cytogenetic location: 9q22.31.
Variant type: single nucleotide variant.
Coding change: c.1273T>C on transcript NM_001003800.2 (MANE Select); coding-DNA position 1273, T replaced by C.
Protein change: p.Tyr425His; replaces tyrosine 425 with histidine.
Molecular consequence: missense variant.
Genome position (GRCh38, 1-based): chr9:92,719,372, A>G on the plus strand (T>C on the coding strand, the complement: BICD2 is on the minus strand). VCF-style: chr9-92719372-A-G. GRCh37 (hg19) VCF-style: chr9-95481654-A-G.
Other names: c.1273T>C, p.Tyr425His (NM_015250.4); short protein forms Y425H.
Identifiers: ClinVar variation 933305 (VCV000933305.10), dbSNP rs1853407945, ClinGen allele CA374039204.